The following is an entry in ClinVar:

NM_032444.4(SLX4):c.3895_3896del (p.Arg1299fs)

Gene: SLX4 (SLX4 structure-specific endonuclease subunit; minus strand). Cytogenetic location: 16p13.3.
Variant type: Deletion.
Coding change: c.3895_3896del on transcript NM_032444.4 (MANE Select); coding-DNA positions 3895 to 3896, 2 bases deleted (AG; older notation c.3895_3896delAG).
Protein change: p.Arg1299fs; shifts the reading frame from arginine 1299.
Molecular consequence: frameshift variant.
Genome position (GRCh38, 1-based): chr16:3,589,742-3,589,743, CT deleted on the plus strand (AG on the coding strand, the reverse complement: SLX4 is on the minus strand). VCF-style (leftmost placement, unchanged base first): chr16-3589741-CCT-C. GRCh37 (hg19) VCF-style: chr16-3639742-CCT-C.
Other names: short protein forms R1299fs.
Identifiers: ClinVar variation 1070771 (VCV001070771.10), dbSNP rs763914156, ClinGen allele CA7865796.

ClinVar aggregate classification (germline): Pathogenic/Likely pathogenic. Review status: criteria provided, multiple submitters, no conflicts (2 of 4 stars). 2 submissions from 2 submitters: Pathogenic (1); Likely pathogenic (1). Last evaluated 2024-12-14.

Conditions:
Fanconi anemia complementation group P. Also called: SLX4-Related Fanconi Anemia. Identifiers: Orphanet 84, MedGen C3469542, MONDO:0013499, OMIM 613951.
Fanconi anemia (FA). Also called: Fanconi's anemia. Identifiers: Orphanet 84, MedGen C0015625, MeSH D005199, MONDO:0019391.

Allele frequency attached by ClinVar (database versions not stated): ExAC 0.00001; gnomAD exomes 0.00001.

Submissions (2):

Labcorp Genetics (formerly Invitae), Labcorp
Classification: Pathogenic for Fanconi anemia. Last evaluated: 2024-12-14. Review status: criteria provided, single submitter. Criteria: Invitae Variant Classification Sherloc (09022015). Collection method: clinical testing. Allele origin: germline.
Comment: This sequence change creates a premature translational stop signal (p.Arg1299Glyfs*35) in the SLX4 gene. It is expected to result in an absent or disrupted protein product. Loss-of-function variants in SLX4 are known to be pathogenic (PMID: 21240277). This variant is present in population databases (rs763914156, gnomAD 0.006%). This variant has not been reported in the literature in individuals affected with SLX4-related conditions. ClinVar contains an entry for this variant (Variation ID: 1070771). For these reasons, this variant has been classified as Pathogenic.

Fulgent Genetics
Classification: Likely pathogenic for Fanconi anemia complementation group P. Last evaluated: 2024-06-13. Review status: criteria provided, single submitter. Criteria: ACMG Guidelines, 2015. Collection method: clinical testing. Allele origin: germline.

Literature cited by the submitters: PubMed 21240277 (cited by Labcorp Genetics (formerly Invitae), Labcorp).